The following is an entry in ClinVar:

NM_001355436.2(SPTB):c.1047del (p.Val350fs)

Gene: SPTB (spectrin beta, erythrocytic; minus strand). Cytogenetic location: 14q23.3.
Variant type: Deletion.
Coding change: c.1047del on transcript NM_001355436.2 (MANE Select); coding-DNA position 1047, one base deleted (C; older notation c.1047delC).
Protein change: p.Val350fs; shifts the reading frame from valine 350.
Molecular consequence: frameshift variant.
Genome position (GRCh38, 1-based): chr14:64,799,764, G deleted on the plus strand (C on the coding strand, the reverse complement: SPTB is on the minus strand); the first of 2 consecutive G bases (chr14:64,799,764-64,799,765); deleting either gives the same sequence. VCF-style (leftmost placement, unchanged base first): chr14-64799763-CG-C. GRCh37 (hg19) VCF-style: chr14-65266481-CG-C.
Other names: p.Val350Trpfs*24; c.1047del, p.Val350fs (NM_001024858.4, NM_001355437.2); short protein forms V350fs.
Identifiers: ClinVar variation 4541864 (VCV004541864.1).

ClinVar aggregate classification (germline): Likely pathogenic (1 of 4 stars; one submission).

Submission:

Mayo Clinic Laboratories, Mayo Clinic
Classification: Likely pathogenic. Last evaluated: 2025-06-24. Review status: criteria provided, single submitter. Criteria: ACMG Guidelines, 2015. Collection method: clinical testing. Allele origin: germline. Observed: 1 variant allele.
Comment: PM2_supporting, PVS1